The following is an entry in ClinVar:

ClinVar aggregate classification (germline): Pathogenic. Review status: criteria provided, multiple submitters, no conflicts (2 of 4 stars). 6 submissions from 6 submitters: Pathogenic (6). Last evaluated 2025-12-08.

Conditions:
Citrullinemia, type II, adult-onset (CDAA). Also called: CITRIN DEFICIENCY, ADOLESCENT OR ADULT ONSET. Identifiers: Orphanet 247585, MedGen CN295299, MONDO:0011326, OMIM 603471.
Neonatal intrahepatic cholestasis due to citrin deficiency (CDNI). Also called: Neonatal Intrahepatic Cholestasis Caused by Citrin Deficiency (NICCD); CITRIN DEFICIENCY, NEONATAL OR INFANTILE ONSET; Neonatal-onset citrullinemia type II; Neonatal-onset citrullinemia type 2. Identifiers: Orphanet 247598, MedGen C1853942, MONDO:0011601, OMIM 605814.
Citrullinemia. Identifiers: Orphanet 187, MedGen C0175683, MONDO:0015991.
Citrin deficiency. Identifiers: Orphanet 247582, MedGen C1997910, MONDO:0016602.

Allele frequency attached by ClinVar (database versions not stated): gnomAD 0.00001; 1000 Genomes Project 0.00020; 1000 Genomes Project 30x 0.00031; TOPMed below 0.00001; ExAC 0.00001.
gnomAD v4.1: 12 of 1,613,592 alleles (0.00074%); highest among the groups gnomAD compares: East Asian, 0.0022%; no homozygotes.

Submissions (6):

Labcorp Genetics (formerly Invitae), Labcorp
Classification: Pathogenic for Citrin deficiency. Last evaluated: 2025-12-08. Review status: criteria provided, single submitter. Criteria: Invitae Variant Classification Sherloc (09022015). Collection method: clinical testing. Allele origin: germline.
Comment: This sequence change creates a premature translational stop signal (p.Arg467*) in the SLC25A13 gene. It is expected to result in an absent or disrupted protein product. Loss-of-function variants in SLC25A13 are known to be pathogenic (PMID: 10369257, 14680984, 27405544). This variant is present in population databases (rs540149539, gnomAD 0.006%). This premature translational stop signal has been observed in individuals with citrin deficiency (PMID: 21424115, 27405544). ClinVar contains an entry for this variant (Variation ID: 939098). For these reasons, this variant has been classified as Pathogenic.

Natera, Inc.
Classification: Pathogenic for Citrullinemia. Last evaluated: 2025-07-29. Review status: criteria provided, single submitter. Criteria: Natera Variant Classification Schema (03/2026). Collection method: clinical testing. Allele origin: germline.
Comment: The c.1399C>T variant in SLC25A13 is a nonsense variant predicted to introduce a stop codon at amino acid 467. This variant is expected to result in nonsense mediated decay, truncation, or a dysfunctional protein product. This variant is rare in the general population with a frequency below the threshold expected for the associated phenotype(s). This variant has been observed in one or more individuals affected with the associated recessive disease, as either homozygous or compound heterozygous with a second variant (PMID: 31450232). Given the available evidence, this variant is classified as Pathogenic.

Baylor Genetics
Classification: Pathogenic for Citrullinemia, type II, adult-onset. Last evaluated: 2024-03-16. Review status: criteria provided, single submitter. Criteria: ACMG Guidelines, 2015. Collection method: clinical testing. Allele origin: unknown.

Genesolutions, Medical Genetics Institutes, Ho Chi Minh City, Vietnam
Classification: Pathogenic for Neonatal intrahepatic cholestasis due to citrin deficiency. Last evaluated: 2022-06-30. Review status: criteria provided, single submitter. Criteria: ACMG Guidelines, 2015. Collection method: clinical testing. Allele origin: germline. Affected: yes.

CeGaT Center for Human Genetics Tuebingen
Classification: Pathogenic. Last evaluated: 2020-11-01. Review status: criteria provided, single submitter. Criteria: CeGaT Center For Human Genetics Tuebingen Variant Classification Criteria Version 2. Collection method: clinical testing. Allele origin: germline. Affected: yes. Observed: 1 variant allele.

Juno Genomics, Hangzhou Juno Genomics, Inc
Classification: Pathogenic for Citrullinemia, type II, adult-onset; Neonatal intrahepatic cholestasis due to citrin deficiency. Review status: criteria provided, single submitter. Criteria: ACMG Guidelines, 2015. Collection method: clinical testing. Allele origin: germline.
Comment: Null variant in a gene where loss of function (LOF) is a known mechanism of disease.;For recessive disorders, detected in trans with a pathogenic variant.

Literature cited by the submitters: PubMed 10369257 (cited by Labcorp Genetics (formerly Invitae), Labcorp); PubMed 14680984 (cited by Labcorp Genetics (formerly Invitae), Labcorp); PubMed 27405544 (cited by Labcorp Genetics (formerly Invitae), Labcorp); PubMed 21424115 (cited by Labcorp Genetics (formerly Invitae), Labcorp); PubMed 31450232 (cited by Natera, Inc.); PubMed 36599957 (cited by Genesolutions, Medical Genetics Institutes, Ho Chi Minh City, Vietnam).

NM_014251.3(SLC25A13):c.1399C>T (p.Arg467Ter)

Gene: SLC25A13 (solute carrier family 25 member 13; minus strand). Cytogenetic location: 7q21.3.
Variant type: single nucleotide variant.
Coding change: c.1399C>T on transcript NM_014251.3 (MANE Select); coding-DNA position 1399, C replaced by T.
Protein change: p.Arg467Ter; replaces arginine 467 with a stop codon.
Molecular consequence: nonsense. On other transcripts: non-coding transcript variant (1).
Genome position (GRCh38, 1-based): chr7:96,146,609, G>A on the plus strand (C>T on the coding strand, the complement: SLC25A13 is on the minus strand). VCF-style: chr7-96146609-G-A. GRCh37 (hg19) VCF-style: chr7-95775921-G-A.
Other names: c.1402C>T, p.Arg468Ter (NM_001160210.2); short protein forms R467*, R468*.
Identifiers: ClinVar variation 939098 (VCV000939098.75), dbSNP rs540149539, ClinGen allele CA4352940.
Genomic context (GRCh38, chr7:96,146,609, plus strand): 5'-AAGTTACCTTGTAGATCCCAAAAAACCCCAGGTCCCGCACGACAGACAGAGCACTGACTC[G>A]AGGACCAGTGGTGATTTCTCCTGCCACTTGCAAACGGATCTTGACGATTTCTAAAGGATT-3'